The following is an entry in ClinVar:

NM_001081.4(CUBN):c.2016G>A (p.Pro672=)

Gene: CUBN (cubilin; minus strand). Cytogenetic location: 10p13.
Variant type: single nucleotide variant.
Coding change: c.2016G>A on transcript NM_001081.4 (MANE Select); coding-DNA position 2016, G replaced by A.
Protein change: p.Pro672=; no amino-acid change (proline 672 retained).
Molecular consequence: synonymous variant.
Genome position (GRCh38, 1-based): chr10:17,085,691, C>T on the plus strand (G>A on the coding strand, the complement: CUBN is on the minus strand). VCF-style: chr10-17085691-C-T. GRCh37 (hg19) VCF-style: chr10-17127690-C-T.
Identifiers: ClinVar variation 299516 (VCV000299516.16), dbSNP rs148107237, ClinGen allele CA5425119.

ClinVar aggregate classification (germline): Benign/Likely benign. Review status: criteria provided, multiple submitters, no conflicts (2 of 4 stars). 6 submissions from 6 submitters: Benign (1); Likely benign (4). 1 of the submissions does not count toward it. Last evaluated 2026-01-12.

Conditions:
CUBN-related disorder. Also called: CUBN-related condition.
Imerslund-Grasbeck syndrome type 1 (IGS1). Also called: Megaloblastic anemia 1, Finnish type; MEGALOBLASTIC ANEMIA, 1; Imerslund-Gräsbeck syndrome 1. Identifiers: MedGen C4016819, MONDO:0100156, OMIM 261100.
Proteinuria, chronic benign. Identifiers: MedGen C5394384, MONDO:0030042, OMIM 618884.
Imerslund-Grasbeck syndrome. Also called: ENTEROCYTE COBALAMIN MALABSORPTION; ENTEROCYTE INTRINSIC FACTOR RECEPTOR, DEFECT OF; Imerslund-Gräsbeck syndrome; PERNICIOUS ANEMIA, JUVENILE, DUE TO SELECTIVE INTESTINAL MALABSORPTION OF VITAMIN B12, WITH PROTEINURIA; Megaloblastic anemia due to inborn errors of metabolism. Identifiers: Orphanet 35858, MedGen C4551825, MONDO:0009853.

Allele frequency attached by ClinVar (database versions not stated): ESP Exome Variant Server 0.00015; gnomAD exomes 0.00017 and 0.00052; TOPMed 0.00029; 1000 Genomes Project 30x 0.00047; ExAC 0.00049; 1000 Genomes Project 0.00060.
gnomAD v4.1: 276 of 1,613,808 alleles (0.017%); highest among the groups gnomAD compares: East Asian, 0.36%; 3 homozygotes.

Submissions (6):

Labcorp Genetics (formerly Invitae), Labcorp
Classification: Benign for Imerslund-Grasbeck syndrome. Last evaluated: 2026-01-12. Review status: criteria provided, single submitter. Criteria: Invitae Variant Classification Sherloc (09022015). Collection method: clinical testing. Allele origin: germline.

Blueprint Genetics
Classification: Likely benign. Last evaluated: 2024-10-04. Review status: criteria provided, single submitter. Criteria: ACMG Guidelines, 2015. Collection method: clinical testing. Allele origin: germline.

Fulgent Genetics
Classification: Likely benign for Imerslund-Grasbeck syndrome type 1; Proteinuria, chronic benign. Last evaluated: 2021-09-20. Review status: criteria provided, single submitter. Criteria: ACMG Guidelines, 2015. Collection method: clinical testing. Allele origin: unknown.

GeneDx
Classification: Likely benign. Last evaluated: 2020-12-02. Review status: criteria provided, single submitter. Criteria: GeneDx Variant Classification Process June 2021. Collection method: clinical testing. Allele origin: germline. Affected: yes.
Comment: See Variant Classification Assertion Criteria.

Illumina Laboratory Services, Illumina
Classification: Likely benign for Imerslund-Grasbeck syndrome type 1. Last evaluated: 2018-01-12. Review status: criteria provided, single submitter. Criteria: ICSL Variant Classification Criteria 13 December 2019. Collection method: clinical testing. Allele origin: germline.
Comment: This variant was observed in the ICSL laboratory as part of a predisposition screen in an ostensibly healthy population. It had not been previously curated by ICSL or reported in the Human Gene Mutation Database (HGMD: prior to June 1st, 2018), and was therefore a candidate for classification through an automated scoring system. Utilizing variant allele frequency, disease prevalence and penetrance estimates, and inheritance mode, an automated score was calculated to assess if this variant is too frequent to cause the disease. Based on the score and internal cut-off values, a variant classified as likely benign is not then subjected to further curation. The score for this variant resulted in a classification of likely benign for this disease.

PreventionGenetics, part of Exact Sciences
Classification: Likely benign for CUBN-related condition. Last evaluated: 2022-12-22. Review status: no assertion criteria provided. Collection method: clinical testing. Allele origin: germline. Not counted in ClinVar's aggregate classification.
Comment: This variant is classified as likely benign based on ACMG/AMP sequence variant interpretation guidelines (Richards et al. 2015 PMID: 25741868, with internal and published modifications).